The following is an entry in ClinVar:

ClinVar aggregate classification (germline): Likely pathogenic (1 of 4 stars; one submission).

Submission:

GeneDx
Classification: Likely pathogenic. Last evaluated: 2026-03-10. Review status: criteria provided, single submitter. Criteria: GeneDx Variant Classification Process June 2021. Collection method: clinical testing. Allele origin: germline.
Comment: Reported in a patient in the published literature who also harbors and additional missense variant in the PKLR gene (PMID: 31648476); Not observed at significant frequency in large population cohorts (gnomAD); In silico analysis supports that this missense variant has a deleterious effect on protein structure/function; This variant is associated with the following publications: (PMID: 31648476)

NM_000298.6(PKLR):c.1490C>T (p.Thr497Ile)

Gene: PKLR (pyruvate kinase L/R; minus strand). Cytogenetic location: 1q22.
Variant type: single nucleotide variant.
Coding change: c.1490C>T on transcript NM_000298.6 (MANE Select); coding-DNA position 1490, C replaced by T.
Protein change: p.Thr497Ile; replaces threonine 497 with isoleucine.
Molecular consequence: missense variant.
Genome position (GRCh38, 1-based): chr1:155,291,884, G>A on the plus strand (C>T on the coding strand, the complement: PKLR is on the minus strand). VCF-style: chr1-155291884-G-A. GRCh37 (hg19) VCF-style: chr1-155261675-G-A.
Other names: c.1397C>T, p.Thr466Ile (NM_181871.4); short protein forms T466I, T497I.
Identifiers: ClinVar variation 3391709 (VCV003391709.2).